The following is an entry in ClinVar:

ClinVar aggregate classification (germline): Uncertain significance. Review status: criteria provided, multiple submitters, no conflicts (2 of 4 stars). 3 submissions from 3 submitters: Uncertain significance (3). Last evaluated 2024-11-21.

Conditions:
Autosomal recessive Alport syndrome (ATS2). Also called: Alport syndrome type 2; COL4A3-Related Nephropathy; ALPORT SYNDROME 2, AUTOSOMAL RECESSIVE; COL4A4 Alport Syndrome and Thin Basement Membrane Nephropathy. Identifiers: Orphanet 63, Orphanet 88919, MedGen C4746745, MONDO:0008762, OMIM 203780.
Hematuria, benign familial, 1 (BFH1). Also called: THIN MEMBRANE NEPHROPATHY. Identifiers: MedGen CN376803, MONDO:0007709, OMIM 141200.

gnomAD v4.1: 27 of 1,614,060 alleles (0.0017%); highest among the groups gnomAD compares: Non-Finnish European, 0.0022%; no homozygotes.

Submissions (3):

Blueprint Genetics
Classification: Uncertain significance. Last evaluated: 2024-11-21. Review status: criteria provided, single submitter. Criteria: ACMG Guidelines, 2015. Collection method: clinical testing. Allele origin: germline.

Labcorp Genetics (formerly Invitae), Labcorp
Classification: Uncertain significance. Last evaluated: 2024-07-31. Review status: criteria provided, single submitter. Criteria: Invitae Variant Classification Sherloc (09022015). Collection method: clinical testing. Allele origin: germline.
Comment: This sequence change replaces valine, which is neutral and non-polar, with leucine, which is neutral and non-polar, at codon 752 of the COL4A4 protein (p.Val752Leu). This variant is present in population databases (rs764295374, gnomAD 0.007%). This variant has not been reported in the literature in individuals affected with COL4A4-related conditions. Advanced modeling of protein sequence and biophysical properties (such as structural, functional, and spatial information, amino acid conservation, physicochemical variation, residue mobility, and thermodynamic stability) performed at Invitae indicates that this missense variant is not expected to disrupt COL4A4 protein function with a negative predictive value of 95%. In summary, the available evidence is currently insufficient to determine the role of this variant in disease. Therefore, it has been classified as a Variant of Uncertain Significance.

Fulgent Genetics
Classification: Uncertain significance for Hematuria, benign familial, 1; Autosomal recessive Alport syndrome. Last evaluated: 2024-04-19. Review status: criteria provided, single submitter. Criteria: ACMG Guidelines, 2015. Collection method: clinical testing. Allele origin: germline.

NM_000092.5(COL4A4):c.2254G>C (p.Val752Leu)

Gene: COL4A4 (collagen type IV alpha 4 chain; minus strand). Cytogenetic location: 2q36.3.
Variant type: single nucleotide variant.
Coding change: c.2254G>C on transcript NM_000092.5 (MANE Select); coding-DNA position 2254, G replaced by C.
Protein change: p.Val752Leu; replaces valine 752 with leucine.
Molecular consequence: missense variant.
Genome position (GRCh38, 1-based): chr2:227,059,534, C>G on the plus strand (G>C on the coding strand, the complement: COL4A4 is on the minus strand). VCF-style: chr2-227059534-C-G. GRCh37 (hg19) VCF-style: chr2-227924250-C-G.
Other names: short protein forms V752L.
Identifiers: ClinVar variation 3585848 (VCV003585848.3).
Genomic context (GRCh38, chr2:227,059,534, plus strand): 5'-TTCCCGGGGGTCCCAGGTGACCAAATGCAGGGTCTCCCGGGATTCCTTTCTGACCATTCA[C>G]TCCTGGTGAGCCGGGAGGGCCTGGGGGCCCAACAGGGGAGGACCCCTTTTCACCTCCAAA-3'
Protein context (NP_000083.3, residues 742-762): GPPGPPGSPG[Val752Leu]NGQKGIPGDP